The following is an entry in ClinVar:

ClinVar aggregate classification (germline): Pathogenic/Likely pathogenic. Review status: criteria provided, multiple submitters, no conflicts (2 of 4 stars). 8 submissions from 8 submitters: Pathogenic (6); Likely pathogenic (2). Last evaluated 2025-11-22.

Conditions:
ATM-related disorder. Also called: ATM-related disorders; ATM-related condition.
Hereditary cancer-predisposing syndrome. Also called: Neoplastic Syndromes, Hereditary; Hereditary Cancer Syndrome; Tumor predisposition; Hereditary neoplastic syndrome. Identifiers: Orphanet 140162, MedGen C0027672, MeSH D009386, MONDO:0015356.
Ataxia-telangiectasia syndrome (AT). Also called: LOUIS-BAR SYNDROME; Cerebello-oculocutaneous telangiectasia; Immunodeficiency with ataxia telangiectasia; Ataxia-telangiectasia, complementation group D; AT, COMPLEMENTATION GROUP C; Ataxia-telangiectasia, complementation group E. Identifiers: Orphanet 100, MedGen C0004135, MONDO:0008840, OMIM 208900.
Familial cancer of breast. Also called: Hereditary breast cancer; BREAST CANCER, FAMILIAL; hereditary breast carcinoma. Identifiers: Orphanet 227535, MedGen C0346153, MONDO:0016419, OMIM 114480. Disease mechanism: loss of function.

Submissions (8):

Labcorp Genetics (formerly Invitae), Labcorp
Classification: Pathogenic for Ataxia-telangiectasia syndrome. Last evaluated: 2025-11-22. Review status: criteria provided, single submitter. Criteria: Invitae Variant Classification Sherloc (09022015). Collection method: clinical testing. Allele origin: germline.
Comment: This sequence change creates a premature translational stop signal (p.Tyr2791Glyfs*14) in the ATM gene. It is expected to result in an absent or disrupted protein product. Loss-of-function variants in ATM are known to be pathogenic (PMID: 23807571, 25614872). This variant is not present in population databases (gnomAD no frequency). This premature translational stop signal has been observed in individual(s) with breast cancer and suspected Lynch syndrome (PMID: 25980754, 26182300). This variant is also known as c.8369GATAC>G. ClinVar contains an entry for this variant (Variation ID: 418047). For these reasons, this variant has been classified as Pathogenic.

Quest Diagnostics Nichols Institute San Juan Capistrano
Classification: Pathogenic. Last evaluated: 2024-05-17. Review status: criteria provided, single submitter. Criteria: Quest Diagnostics criteria. Collection method: clinical testing. Allele origin: unknown.
Comment: The ATM c.8371_8374del (p.Tyr2791Glyfs*14) variant alters the translational reading frame of the ATM mRNA and causes the premature termination of ATM protein synthesis. This variant has been reported in the published literature in individuals with breast cancer (PMID: 26182300 (2015), 34326862 (2021)) and a Lynch syndrome associated cancer (PMID: 25980754 (2015)). This variant has not been reported in large, multi-ethnic general populations (Genome Aggregation Database). Based on the available information, this variant is classified as pathogenic.

Color Diagnostics, LLC DBA Color Health
Classification: Pathogenic for Hereditary cancer-predisposing syndrome. Last evaluated: 2024-04-30. Review status: criteria provided, single submitter. Criteria: ACMG Guidelines, 2015. Collection method: clinical testing. Allele origin: germline.
Comment: This variant deletes 4 nucleotides in exon 57 of the ATM gene, creating a frameshift and premature translation stop signal. This variant is expected to result in an absent or non-functional protein product. This variant has been observed in individuals affected with breast cancer (PMID: 26182300) and pancreatic cancer (Color Health internal data). This variant has not been identified in the general population by the Genome Aggregation Database (gnomAD). Loss of ATM function is a known mechanism of disease. Based on the available evidence, this variant is classified as Pathogenic.

Ambry Genetics
Classification: Pathogenic for Hereditary cancer-predisposing syndrome. Last evaluated: 2024-03-21. Review status: criteria provided, single submitter. Criteria: Ambry Variant Classification Scheme 2023. Collection method: clinical testing. Allele origin: germline.
Comment: The c.8371_8374delTACA pathogenic mutation, located in coding exon 56 of the ATM gene, results from a deletion of 4 nucleotides at nucleotide positions 8371 to 8374, causing a translational frameshift with a predicted alternate stop codon (p.Y2791Gfs*14). This variant is considered to be rare based on population cohorts in the Genome Aggregation Database (gnomAD). In addition to the clinical data presented in the literature, this alteration is expected to result in loss of function by premature protein truncation or nonsense-mediated mRNA decay. As such, this alteration is interpreted as a disease-causing mutation.

Baylor Genetics
Classification: Pathogenic for Familial cancer of breast. Last evaluated: 2024-02-01. Review status: criteria provided, single submitter. Criteria: ACMG Guidelines, 2015. Collection method: clinical testing. Allele origin: unknown.

Myriad Genetics, Inc.
Classification: Pathogenic for Familial cancer of breast. Last evaluated: 2024-02-01. Review status: criteria provided, single submitter. Criteria: Myriad Autosomal Dominant, Autosomal Recessive and X-Linked Classification Criteria (2023). Collection method: clinical testing. Allele origin: unknown.
Comment: This variant is considered pathogenic. This variant creates a frameshift predicted to result in premature protein truncation.

Blueprint Genetics
Classification: Likely pathogenic for ATM-related disorders. Last evaluated: 2019-08-30. Review status: criteria provided, single submitter. Criteria: ACMG Guidelines, 2015. Collection method: clinical testing. Allele origin: germline. Affected: yes. Observed: 1 variant allele.

GeneDx
Classification: Likely pathogenic. Last evaluated: 2017-09-18. Review status: criteria provided, single submitter. Criteria: GeneDx Variant Classification (06012015). Collection method: clinical testing. Allele origin: germline. Affected: yes.
Comment: This deletion of four nucleotides in ATM is denoted c.8371_8374delTACA at the cDNA level and p.Tyr2791GlyfsX14 (Y2791GfsX14) at the protein level. The normal sequence, with the bases that are deleted in brackets, is AAGA[delTACA]GGCC. The deletion causes a frameshift which changes a Tyrosine to a Glycine at codon 2791, and creates a premature stop codon at position 14 of the new reading frame. This variant is predicted to cause loss of normal protein function through either protein truncation or nonsense-mediated mRNA decay. ATM c.8371_8374delTACA, also published as ATM c.8369GATAC>G using alternate nomenclature, has been observed in one individual with breast cancer and a strong family history of gastric cancer as well as in one individual with a Lynch syndrome-associated cancer and/or polyps (Hansford 2015, Yurgelun 2015). Based on the currently available information, we consider this deletion to be a likely pathogenic variant.

Literature cited by the submitters: PubMed 23807571 (cited by Labcorp Genetics (formerly Invitae), Labcorp); PubMed 25614872 (cited by Labcorp Genetics (formerly Invitae), Labcorp); PubMed 25980754 (cited by Labcorp Genetics (formerly Invitae), Labcorp and Quest Diagnostics Nichols Institute San Juan Capistrano); PubMed 26182300 (cited by 4 submitters); PubMed 31285527 (cited by Quest Diagnostics Nichols Institute San Juan Capistrano and Ambry Genetics); PubMed 34326862 (cited by Quest Diagnostics Nichols Institute San Juan Capistrano).

NM_000051.4(ATM):c.8371_8374del (p.Tyr2791fs)

Genes: ATM (ATM serine/threonine kinase; plus strand), C11orf65 (chromosome 11 open reading frame 65; minus strand). Cytogenetic location: 11q22.3.
Variant type: Deletion.
Coding change: c.8371_8374del on transcript NM_000051.4 (MANE Select); coding-DNA positions 8371 to 8374, 4 bases deleted (TACA; older notation c.8371_8374delTACA).
Protein change: p.Tyr2791fs; shifts the reading frame from tyrosine 2791.
Molecular consequence: frameshift variant. On other transcripts: intron variant (2).
Genome position (GRCh38, 1-based): chr11:108,343,324-108,343,327, TACA deleted; deleting any 4 consecutive bases within chr11:108,343,323-108,343,327 gives the same sequence; the c. name uses the placement nearest the transcript's 3' end. VCF-style (leftmost placement, unchanged base first): chr11-108343322-GATAC-G. GRCh37 (hg19) VCF-style: chr11-108214049-GATAC-G.
Other names: c.8371_8374del, p.Tyr2791fs (NM_001351834.2); c.641-34255_641-34252del (NM_001330368.2); c.695-8034_695-8031del (NM_001351110.2); short protein forms Y2791fs.
Identifiers: ClinVar variation 418047 (VCV000418047.25), dbSNP rs1064793046, ClinGen allele CA16619257.